The following is an entry in ClinVar:

NM_002772.3(TMPRSS15):c.743A>G (p.Glu248Gly)

Gene: TMPRSS15 (transmembrane serine protease 15; minus strand). Cytogenetic location: 21q21.1.
Variant type: single nucleotide variant.
Coding change: c.743A>G on transcript NM_002772.3 (MANE Select); coding-DNA position 743, A replaced by G.
Protein change: p.Glu248Gly; replaces glutamic acid 248 with glycine.
Molecular consequence: missense variant.
Genome position (GRCh38, 1-based): chr21:18,365,170, T>C on the plus strand (A>G on the coding strand, the complement: TMPRSS15 is on the minus strand). VCF-style: chr21-18365170-T-C. GRCh37 (hg19) VCF-style: chr21-19737487-T-C.
Other names: short protein forms E248G.
Identifiers: ClinVar variation 2854829 (VCV002854829.3), dbSNP rs2516762923, ClinGen allele CA409852205.
Genomic context (GRCh38, chr21:18,365,170, plus strand): 5'-AAGAACAGAAAATATAAGATCTTGTATTACCGTATGATCCACTGGCAGACAACACTTGTT[T>C]CAGAAGGTTTTGGATAATGAGTAGCCTGGAAAGACCCAGATGATCCAGTTAACAAAAATC-3'
Protein context (NP_002763.3, residues 238-258): FQATHYPKPS[Glu248Gly]TSVVCQWIIR

ClinVar aggregate classification (germline): Uncertain significance (1 of 4 stars; one submission).

Submission:

Labcorp Genetics (formerly Invitae), Labcorp
Classification: Uncertain significance. Last evaluated: 2023-04-10. Review status: criteria provided, single submitter. Criteria: Invitae Variant Classification Sherloc (09022015). Collection method: clinical testing. Allele origin: germline.
Comment: In summary, the available evidence is currently insufficient to determine the role of this variant in disease. Therefore, it has been classified as a Variant of Uncertain Significance. Algorithms developed to predict the effect of missense changes on protein structure and function output the following: SIFT: "Not Available"; PolyPhen-2: "Benign"; Align-GVGD: "Not Available". The glycine amino acid residue is found in multiple mammalian species, which suggests that this missense change does not adversely affect protein function. This variant has not been reported in the literature in individuals affected with TMPRSS15-related conditions. This variant is not present in population databases (gnomAD no frequency). This sequence change replaces glutamic acid, which is acidic and polar, with glycine, which is neutral and non-polar, at codon 248 of the TMPRSS15 protein (p.Glu248Gly).